The following is an entry in ClinVar:

NM_005045.4(RELN):c.2765T>C (p.Ile922Thr)

Gene: RELN (reelin; minus strand). Cytogenetic location: 7q22.1.
Variant type: single nucleotide variant.
Coding change: c.2765T>C on transcript NM_005045.4 (MANE Select); coding-DNA position 2765, T replaced by C.
Protein change: p.Ile922Thr; replaces isoleucine 922 with threonine.
Molecular consequence: missense variant.
Genome position (GRCh38, 1-based): chr7:103,611,741, A>G on the plus strand (T>C on the coding strand, the complement: RELN is on the minus strand). VCF-style: chr7-103611741-A-G. GRCh37 (hg19) VCF-style: chr7-103252188-A-G.
Other names: c.2765T>C, p.Ile922Thr (NM_173054.3); c.2765T>C (NM_005045.3); short protein forms I922T.
Identifiers: ClinVar variation 2159130 (VCV002159130.5), dbSNP rs561471703, ClinGen allele CA163909619.

ClinVar aggregate classification (germline): Uncertain significance. Review status: criteria provided, multiple submitters, no conflicts (2 of 4 stars). 2 submissions from 2 submitters: Uncertain significance (2). Last evaluated 2025-12-26.

Conditions:
Familial temporal lobe epilepsy 7. Identifiers: Orphanet 101046, MedGen C4225327, MONDO:0014639, OMIM 616436.
Norman-Roberts syndrome (LIS2). Also called: Lissencephaly 2 (Norman-Roberts type). Identifiers: Orphanet 89844, MedGen C0796089, MONDO:0009760, OMIM 257320.
Inborn genetic diseases. Identifiers: MedGen C0950123, MeSH D030342.

Allele frequency attached by ClinVar (database versions not stated): gnomAD exomes below 0.00001; gnomAD 0.00003; TOPMed 0.00006; 1000 Genomes Project 30x 0.00016; 1000 Genomes Project 0.00020.
gnomAD v4.1: 6 of 1,613,974 alleles (0.00037%); highest among the groups gnomAD compares: African/African-American, 0.0067%; no homozygotes.

Submissions (2):

Labcorp Genetics (formerly Invitae), Labcorp
Classification: Uncertain significance for Familial temporal lobe epilepsy 7; Norman-Roberts syndrome. Last evaluated: 2025-12-26. Review status: criteria provided, single submitter. Criteria: Invitae Variant Classification Sherloc (09022015). Collection method: clinical testing. Allele origin: germline.
Comment: This sequence change replaces isoleucine, which is neutral and non-polar, with threonine, which is neutral and polar, at codon 922 of the RELN protein (p.Ile922Thr). This variant is present in population databases (rs561471703, gnomAD 0.003%). This variant has not been reported in the literature in individuals affected with RELN-related conditions. ClinVar contains an entry for this variant (Variation ID: 2159130). Invitae Evidence Modeling of protein sequence and biophysical properties (such as structural, functional, and spatial information, amino acid conservation, physicochemical variation, residue mobility, and thermodynamic stability) indicates that this missense variant is not expected to disrupt RELN protein function with a negative predictive value of 80%. In summary, the available evidence is currently insufficient to determine the role of this variant in disease. Therefore, it has been classified as a Variant of Uncertain Significance.

Ambry Genetics
Classification: Uncertain significance for Inborn genetic diseases. Last evaluated: 2024-12-17. Review status: criteria provided, single submitter. Criteria: Ambry Variant Classification Scheme 2023. Collection method: clinical testing. Allele origin: germline.